The following is an entry in ClinVar:

ClinVar aggregate classification (germline): Uncertain significance (1 of 4 stars; one submission).

Conditions:
Microcephalic osteodysplastic primordial dwarfism type II (MOPD2). Also called: Microcephalic osteodysplastic primordial dwarfism with tooth abnormalities; MOPD II; OSTEODYSPLASTIC PRIMORDIAL DWARFISM, TYPE II. Identifiers: Orphanet 2637, MedGen C0432246, MONDO:0008872, OMIM 210720.

Submission:

MVZ Medizinische Genetik Mainz
Classification: Uncertain significance for Microcephalic osteodysplastic primordial dwarfism type II. Last evaluated: 2025-10-01. Review status: criteria provided, single submitter. Criteria: UK Practice Guidelines For Variant Classification V4 01 2020. Collection method: clinical testing. Allele origin: germline. Inheritance: Autosomal recessive inheritance. Affected: yes. Observed: 2 variant alleles.
Comment: ACMG Criteria: PM4,PM2_SUP,PP3

NM_006031.6(PCNT):c.7789_7791dup (p.Lys2597_Leu2598insLys)

Gene: PCNT (pericentrin; plus strand). Cytogenetic location: 21q22.3.
Variant type: Duplication.
Coding change: c.7789_7791dup on transcript NM_006031.6 (MANE Select); coding-DNA positions 7789 to 7791, 3 bases duplicated (AAG; older notation c.7789_7791dupAAG).
Protein change: p.Lys2597_Leu2598insLys.
Molecular consequence: inframe insertion.
Genome position (GRCh38, 1-based): chr21:46,430,108-46,430,110, AAG duplicated; duplicating any 3 consecutive bases within chr21:46,430,106-46,430,110 gives the same sequence; the c. name uses the placement nearest the transcript's 3' end. VCF-style (leftmost placement, unchanged base first): chr21-46430105-C-CAGA. GRCh37 (hg19) VCF-style: chr21-47850019-C-CAGA.
Other names: c.7435_7437dup, p.Lys2479_Leu2480insLys (NM_001315529.2).
Identifiers: ClinVar variation 4526521 (VCV004526521.1).